The following is an entry in ClinVar:

ClinVar aggregate classification (germline): Uncertain significance. Review status: criteria provided, multiple submitters, no conflicts (2 of 4 stars). 2 submissions from 2 submitters: Uncertain significance (2). Last evaluated 2025-12-08.

Conditions:
Cardiovascular phenotype. Identifiers: MedGen CN230736.
Atrial fibrillation, familial, 14 (ATFB14). Identifiers: MedGen C3809312, MONDO:0014156, OMIM 615378.

Submissions (2):

Labcorp Genetics (formerly Invitae), Labcorp
Classification: Uncertain significance for Atrial fibrillation, familial, 14. Last evaluated: 2025-12-08. Review status: criteria provided, single submitter. Criteria: Invitae Variant Classification Sherloc (09022015). Collection method: clinical testing. Allele origin: germline.
Comment: This sequence change replaces glycine, which is neutral and non-polar, with serine, which is neutral and polar, at codon 138 of the SCN2B protein (p.Gly138Ser). This variant is not present in population databases (gnomAD no frequency). This variant has not been reported in the literature in individuals affected with SCN2B-related conditions. ClinVar contains an entry for this variant (Variation ID: 1023340). An algorithm developed to predict the effect of missense changes on protein structure and function (PolyPhen-2) suggests that this variant is likely to be disruptive. In summary, the available evidence is currently insufficient to determine the role of this variant in disease. Therefore, it has been classified as a Variant of Uncertain Significance.

Ambry Genetics
Classification: Uncertain significance for Cardiovascular phenotype. Last evaluated: 2023-08-05. Review status: criteria provided, single submitter. Criteria: Ambry Variant Classification Scheme 2023. Collection method: clinical testing. Allele origin: germline.

NM_004588.5(SCN2B):c.412G>A (p.Gly138Ser)

Gene: SCN2B (sodium voltage-gated channel beta subunit 2; minus strand). Cytogenetic location: 11q23.3.
Variant type: single nucleotide variant.
Coding change: c.412G>A on transcript NM_004588.5 (MANE Select); coding-DNA position 412, G replaced by A.
Protein change: p.Gly138Ser; replaces glycine 138 with serine.
Molecular consequence: missense variant.
Genome position (GRCh38, 1-based): chr11:118,168,121, C>T on the plus strand (G>A on the coding strand, the complement: SCN2B is on the minus strand). VCF-style: chr11-118168121-C-T. GRCh37 (hg19) VCF-style: chr11-118038836-C-T.
Other names: c.412G>A (NM_004588.4); short protein forms G138S.
Identifiers: ClinVar variation 1023340 (VCV001023340.12), dbSNP rs1948399832, ClinGen allele CA382784563.
Genomic context (GRCh38, chr11:118,168,121, plus strand): 5'-CGCAGCTGGCACCCCAGCCTTCACCTTCCATGAGGACCTGCAGATGGATCTTGCCATGGC[C>T]ACGGTGGCGGTCAGGGGGGTTCATGATGTAGCAGTTGTAAATCCCCTCATCCTCCGGCTG-3'
Protein context (NP_004579.1, residues 128-148): YIMNPPDRHR[Gly138Ser]HGKIHLQVLM